The following is an entry in ClinVar:

ClinVar aggregate classification (germline): Uncertain significance (1 of 4 stars; one submission).

Allele frequency attached by ClinVar (database versions not stated): ExAC 0.00002; TOPMed 0.00004; gnomAD 0.00005; ESP Exome Variant Server 0.00008.

Submission:

Labcorp Genetics (formerly Invitae), Labcorp
Classification: Uncertain significance. Last evaluated: 2023-11-06. Review status: criteria provided, single submitter. Criteria: Invitae Variant Classification Sherloc (09022015). Collection method: clinical testing. Allele origin: germline.
Comment: This sequence change replaces arginine, which is basic and polar, with methionine, which is neutral and non-polar, at codon 509 of the ACOX2 protein (p.Arg509Met). This variant also falls at the last nucleotide of exon 11, which is part of the consensus splice site for this exon. This variant is present in population databases (rs145582569, gnomAD 0.02%). This variant has not been reported in the literature in individuals affected with ACOX2-related conditions. An algorithm developed to predict the effect of missense changes on protein structure and function (PolyPhen-2) suggests that this variant is likely to be disruptive. Variants that disrupt the consensus splice site are a relatively common cause of aberrant splicing (PMID: 17576681, 9536098). Algorithms developed to predict the effect of sequence changes on RNA splicing suggest that this variant may disrupt the consensus splice site. In summary, the available evidence is currently insufficient to determine the role of this variant in disease. Therefore, it has been classified as a Variant of Uncertain Significance.

Literature cited by the submitters: PubMed 17576681; PubMed 9536098.

NM_003500.4(ACOX2):c.1526G>T (p.Arg509Met)

Gene: ACOX2 (acyl-CoA oxidase 2; minus strand). Cytogenetic location: 3p14.3.
Variant type: single nucleotide variant.
Coding change: c.1526G>T on transcript NM_003500.4 (MANE Select); coding-DNA position 1526, G replaced by T.
Protein change: p.Arg509Met; replaces arginine 509 with methionine.
Molecular consequence: missense variant.
Genome position (GRCh38, 1-based): chr3:58,524,426, C>A on the plus strand (G>T on the coding strand, the complement: ACOX2 is on the minus strand). VCF-style: chr3-58524426-C-A. GRCh37 (hg19) VCF-style: chr3-58510153-C-A.
Other names: short protein forms R509M.
Identifiers: ClinVar variation 3011469 (VCV003011469.3), dbSNP rs145582569, ClinGen allele CA2472045.
Genomic context (GRCh38, chr3:58,524,426, plus strand): 5'-CCTAGTGTGGCATGGAGCCTGTGCCCAGGTGGGATGGCTGATTTCTCAGCACTGGCTTAC[C>A]TTACTGCCACATGTGCCCAGGCCGTGGTGTAGAGCTCCGGGCAGAGGAAGTCGGCTGCCC-3'
Protein context (NP_003491.1, residues 499-519): YTTAWAHVAV[Arg509Met]LIKDSVQHLQ